The following is an entry in ClinVar:

ClinVar aggregate classification (germline): Conflicting classifications of pathogenicity. Review status: criteria provided, conflicting classifications (1 of 4 stars). 3 submissions from 3 submitters: Likely pathogenic (2); Uncertain significance (1). Last evaluated 2026-04-29.

Conditions:
COL4A5-related disorder. Also called: COL4A5-related condition.
X-linked Alport syndrome (ATS1). Also called: COL4A5-Related Nephropathy; NEPHROPATHY AND DEAFNESS, X-LINKED. Identifiers: Orphanet 63, Orphanet 88917, MedGen C4746986, MONDO:0010520, OMIM 301050.

Submissions (3):

PreventionGenetics, part of Exact Sciences
Classification: Likely pathogenic for COL4A5-related condition. Last evaluated: 2026-04-29. Review status: criteria provided, single submitter. Criteria: ACMG Guidelines, 2015. Collection method: clinical testing. Allele origin: germline.
Comment: The COL4A5 c.2767+4A>G variant is predicted to interfere with splicing. This variant has been reported in the hemizygous state in individuals with Alport syndrome (Table S3, Di et al. 2022. PubMed ID: 35020912; Supplementary Table 1, Zhou et al. 2023. PubMed ID: 37097554). At PreventionGenetics, this variant has been detected in several individuals receiving testing for Alport syndrome, and it segregated with disease in affected family members with a strong family history of Alport syndrome (Internal Data). RT-PCR indicates this variant leads to an in-frame deletion of exon 32 (Table S1, Di et al. 2022. PubMed ID: 35020912). This variant has not been reported in a large population database (gnomAD), indicating it is rare. This variant is interpreted as likely pathogenic.

Fulgent Genetics
Classification: Likely pathogenic for X-linked Alport syndrome. Last evaluated: 2024-06-20. Review status: criteria provided, single submitter. Criteria: ACMG Guidelines, 2015. Collection method: clinical testing. Allele origin: germline.

Labcorp Genetics (formerly Invitae), Labcorp
Classification: Uncertain significance. Last evaluated: 2022-09-09. Review status: criteria provided, single submitter. Criteria: Invitae Variant Classification Sherloc (09022015). Collection method: clinical testing. Allele origin: germline.
Comment: This variant has not been reported in the literature in individuals affected with COL4A5-related conditions. In summary, the available evidence is currently insufficient to determine the role of this variant in disease. Therefore, it has been classified as a Variant of Uncertain Significance. Variants that disrupt the consensus splice site are a relatively common cause of aberrant splicing (PMID: 17576681, 9536098). Algorithms developed to predict the effect of sequence changes on RNA splicing suggest that this variant may disrupt the consensus splice site. This variant is not present in population databases (gnomAD no frequency). This sequence change falls in intron 32 of the COL4A5 gene. It does not directly change the encoded amino acid sequence of the COL4A5 protein. It affects a nucleotide within the consensus splice site.

Literature cited by the submitters: PubMed 17576681 (cited by Labcorp Genetics (formerly Invitae), Labcorp); PubMed 9536098 (cited by Labcorp Genetics (formerly Invitae), Labcorp).

NM_033380.3(COL4A5):c.2767+4A>G

Gene: COL4A5 (collagen type IV alpha 5 chain; plus strand). Cytogenetic location: Xq22.3.
Variant type: single nucleotide variant.
Coding change: c.2767+4A>G on transcript NM_033380.3 (MANE Select); 4 bases into the intron after coding-DNA position 2767, A replaced by G.
Molecular consequence: intron variant.
Genome position (GRCh38, 1-based): chrX:108,621,896, A>G. VCF-style: chrX-108621896-A-G. GRCh37 (hg19) VCF-style: chrX-107865126-A-G.
Other names: c.2767+4A>G (NM_000495.4, NM_000495.5).
Identifiers: ClinVar variation 2029715 (VCV002029715.7), dbSNP rs2524404232, ClinGen allele CA2580100196.
Genomic context (GRCh38, chrX:108,621,896, plus strand): 5'-CAGGCCCACCAGGACCTTTGGGAATTCCTGGCAGGAGTGGTGTACCTGGTCTTAAAGGTA[A>G]TAATCAAGGTTTGCTGCCAGACGTATGTGAGAGGGAAAATTAAATATAGCTTTATGTCAG-3'